The following is an entry in ClinVar:

ClinVar aggregate classification (germline): Uncertain significance (1 of 4 stars; one submission).

Conditions:
Inborn genetic diseases. Identifiers: MedGen C0950123, MeSH D030342.

Submission:

Ambry Genetics
Classification: Uncertain significance for Inborn genetic diseases. Last evaluated: 2025-03-16. Review status: criteria provided, single submitter. Criteria: Ambry Variant Classification Scheme 2023. Collection method: clinical testing. Allele origin: germline.
Comment: The p.K105N variant (also known as c.315A>T), located in coding exon 1 of the SAMD9L gene, results from an A to T substitution at nucleotide position 315. The lysine at codon 105 is replaced by asparagine, an amino acid with similar properties. This amino acid position is conserved. In addition, this alteration is predicted to be tolerated by in silico analysis. Based on the available evidence, the clinical significance of this variant remains unclear.

NM_152703.5(SAMD9L):c.315A>T (p.Lys105Asn)

Gene: SAMD9L (sterile alpha motif domain containing 9 like; minus strand). Cytogenetic location: 7q21.2.
Variant type: single nucleotide variant.
Coding change: c.315A>T on transcript NM_152703.5 (MANE Select); coding-DNA position 315, A replaced by T.
Protein change: p.Lys105Asn; replaces lysine 105 with asparagine.
Molecular consequence: missense variant.
Genome position (GRCh38, 1-based): chr7:93,135,657, T>A on the plus strand (A>T on the coding strand, the complement: SAMD9L is on the minus strand). VCF-style: chr7-93135657-T-A. GRCh37 (hg19) VCF-style: chr7-92764970-T-A.
Other names: c.315A>T, p.Lys105Asn (NM_001303496.3, NM_001303497.3, NM_001303498.3 and 5 more transcripts); short protein forms K105N.
Identifiers: ClinVar variation 3949756 (VCV003949756.1).